The following is an entry in ClinVar:

NM_022168.4(IFIH1):c.2614A>C (p.Lys872Gln)

Gene: IFIH1 (interferon induced with helicase C domain 1; minus strand). Cytogenetic location: 2q24.2.
Variant type: single nucleotide variant.
Coding change: c.2614A>C on transcript NM_022168.4 (MANE Select); coding-DNA position 2614, A replaced by C.
Protein change: p.Lys872Gln; replaces lysine 872 with glutamine.
Molecular consequence: missense variant.
Genome position (GRCh38, 1-based): chr2:162,272,228, T>G on the plus strand (A>C on the coding strand, the complement: IFIH1 is on the minus strand). VCF-style: chr2-162272228-T-G. GRCh37 (hg19) VCF-style: chr2-163128738-T-G.
Other names: short protein forms K872Q.
Identifiers: ClinVar variation 2954184 (VCV002954184.3), dbSNP rs774408685, ClinGen allele CA1934131.

ClinVar aggregate classification (germline): Uncertain significance (1 of 4 stars; one submission).

Conditions:
Aicardi-Goutieres syndrome 7 (AGS7). Identifiers: Orphanet 51, MedGen C3888244, MONDO:0014367, OMIM 615846.
Singleton-Merten syndrome 1 (SGMRT1). Also called: Widened medullary cavities of bone, aortic calcification, abnormal dentition, and muscular weakness; Syndrome of widened medullary cavities of the metacarpals and phalanges, aortic calcification and abnormal dentition. Identifiers: Orphanet 85191, MedGen C4225427, MONDO:0024535, OMIM 182250.

Allele frequency attached by ClinVar (database versions not stated): ExAC 0.00003; TOPMed below 0.00001.
gnomAD v4.1: 8 of 1,610,348 alleles (0.0005%); highest among the groups gnomAD compares: Admixed American, 0.012%; no homozygotes.

Submission:

Labcorp Genetics (formerly Invitae), Labcorp
Classification: Uncertain significance for Aicardi-Goutieres syndrome 7; Singleton-Merten syndrome 1. Last evaluated: 2025-12-17. Review status: criteria provided, single submitter. Criteria: Invitae Variant Classification Sherloc (09022015). Collection method: clinical testing. Allele origin: germline.
Comment: This sequence change replaces lysine, which is basic and polar, with glutamine, which is neutral and polar, at codon 872 of the IFIH1 protein (p.Lys872Gln). This variant is present in population databases (rs774408685, gnomAD 0.02%). This variant has not been reported in the literature in individuals affected with IFIH1-related conditions. ClinVar contains an entry for this variant (Variation ID: 2954184). An algorithm developed to predict the effect of missense changes on protein structure and function (PolyPhen-2) suggests that this variant is likely to be tolerated. In summary, the available evidence is currently insufficient to determine the role of this variant in disease. Therefore, it has been classified as a Variant of Uncertain Significance.